The following is an entry in ClinVar:

NM_001458.5(FLNC):c.6587C>T (p.Thr2196Met)

Genes: FLNC-AS1 (FLNC antisense RNA 1; minus strand), FLNC (filamin C; plus strand). Cytogenetic location: 7q32.1.
Variant type: single nucleotide variant.
Coding change: c.6587C>T on transcript NM_001458.5 (MANE Select); coding-DNA position 6587, C replaced by T.
Protein change: p.Thr2196Met; replaces threonine 2196 with methionine.
Molecular consequence: missense variant.
Genome position (GRCh38, 1-based): chr7:128,854,076, C>T. VCF-style: chr7-128854076-C-T. GRCh37 (hg19) VCF-style: chr7-128494130-C-T.
Other names: c.6488C>T, p.Thr2163Met (NM_001127487.2); short protein forms T2163M, T2196M.
Identifiers: ClinVar variation 845587 (VCV000845587.11), dbSNP rs560228151, ClinGen allele CA4476022.

ClinVar aggregate classification (germline): Conflicting classifications of pathogenicity. Review status: criteria provided, conflicting classifications (1 of 4 stars). 2 submissions from 2 submitters: Uncertain significance (1); Likely benign (1). Last evaluated 2025-08-18.

Conditions:
Cardiovascular phenotype. Identifiers: MedGen CN230736.
Myofibrillar myopathy 5. Also called: Filaminopathy (type); FILAMINOPATHY, AUTOSOMAL DOMINANT. Identifiers: Orphanet 171445, MedGen C1836050, MONDO:0012289, OMIM 609524.
Distal myopathy with posterior leg and anterior hand involvement. Also called: WILLIAMS DISTAL MYOPATHY. Identifiers: Orphanet 63273, MedGen C3279722, MONDO:0013550, OMIM 614065.
Hypertrophic cardiomyopathy 26. Also called: Cardiomyopathy, familial hypertrophic, 26. Identifiers: Orphanet 75249, MedGen C4310749, MONDO:0014883, OMIM 617047.

Allele frequency attached by ClinVar (database versions not stated): TOPMed below 0.00001; gnomAD 0.00001 and 0.00002; gnomAD exomes 0.00003; ExAC 0.00004; 1000 Genomes Project 30x 0.00031; 1000 Genomes Project 0.00040.
gnomAD v4.1: 30 of 1,613,180 alleles (0.0019%); highest among the groups gnomAD compares: South Asian, 0.022%; no homozygotes.

Submissions (2):

Labcorp Genetics (formerly Invitae), Labcorp
Classification: Likely benign for Distal myopathy with posterior leg and anterior hand involvement; Myofibrillar myopathy 5; Hypertrophic cardiomyopathy 26. Last evaluated: 2025-08-18. Review status: criteria provided, single submitter. Criteria: Invitae Variant Classification Sherloc (09022015). Collection method: clinical testing. Allele origin: germline.

Ambry Genetics
Classification: Uncertain significance for Cardiovascular phenotype. Last evaluated: 2024-10-30. Review status: criteria provided, single submitter. Criteria: Ambry Variant Classification Scheme 2023. Collection method: clinical testing. Allele origin: germline.
Comment: The p.T2196M variant (also known as c.6587C>T), located in coding exon 40 of the FLNC gene, results from a C to T substitution at nucleotide position 6587. The threonine at codon 2196 is replaced by methionine, an amino acid with similar properties. This amino acid position is highly conserved in available vertebrate species. In addition, the in silico prediction for this alteration is inconclusive. Based on the available evidence, the clinical significance of this variant remains unclear.